The following is an entry in ClinVar:

ClinVar aggregate classification (germline): Pathogenic (1 of 4 stars; one submission).

Submission:

GeneDx
Classification: Pathogenic. Last evaluated: 2025-03-01. Review status: criteria provided, single submitter. Criteria: GeneDx Variant Classification Process June 2021. Collection method: clinical testing. Allele origin: germline. Affected: yes.
Comment: Nonsense variant predicted to result in protein truncation or nonsense mediated decay in a gene for which loss of function is a known mechanism of disease; Not observed at significant frequency in large population cohorts (gnomAD); Has not been previously published as pathogenic or benign to our knowledge

NM_198880.3(QRICH1):c.268C>T (p.Gln90Ter)

Gene: QRICH1 (glutamine rich 1; minus strand). Cytogenetic location: 3p21.31.
Variant type: single nucleotide variant.
Coding change: c.268C>T on transcript NM_198880.3 (MANE Select); coding-DNA position 268, C replaced by T.
Protein change: p.Gln90Ter; replaces glutamine 90 with a stop codon.
Molecular consequence: nonsense.
Genome position (GRCh38, 1-based): chr3:49,076,750, G>A on the plus strand (C>T on the coding strand, the complement: QRICH1 is on the minus strand). VCF-style: chr3-49076750-G-A. GRCh37 (hg19) VCF-style: chr3-49114183-G-A.
Other names: c.268C>T, p.Gln90Ter (NM_001320580.2, NM_001320581.2, NM_001320582.2 and 4 more transcripts); short protein forms Q90*.
Identifiers: ClinVar variation 4077202 (VCV004077202.1).